The following is an entry in ClinVar:

ClinVar aggregate classification (germline): Likely pathogenic (1 of 4 stars; one submission).

Conditions:
Bifunctional peroxisomal enzyme deficiency (DBIF). Also called: DBP DEFICIENCY; D-bifunctional protein deficiency; PBFE DEFICIENCY. Identifiers: Orphanet 300, MedGen C0342870, MONDO:0009855, OMIM 261515. Disease mechanism: loss of function.

Submission:

Myriad Genetics, Inc.
Classification: Likely pathogenic for Bifunctional peroxisomal enzyme deficiency. Last evaluated: 2025-10-24. Review status: criteria provided, single submitter. Criteria: Myriad Autosomal Dominant, Autosomal Recessive and X-Linked Classification Criteria (2023). Collection method: clinical testing. Allele origin: unknown.
Comment: NM_000414.3(HSD17B4):c.868+2T>G is a variant in a canonical splice site classified as likely pathogenic in the context of HSD17B4-related disorders. c.868+2T>G has not been observed in cases with relevant disease. Relevant functional assessments of this variant are not available in the literature. c.868+2T>G has not been observed in referenced population frequency databases. In summary, NM_000414.3(HSD17B4):c.868+2T>G is a variant in a canonical splice site in a gene where loss of function is a known mechanism of disease and is predicted to disrupt protein function. Please note: this variant was assessed in the context of healthy population screening.

NM_000414.4(HSD17B4):c.868+2T>G

Gene: HSD17B4 (hydroxysteroid 17-beta dehydrogenase 4; plus strand). Cytogenetic location: 5q23.1.
Variant type: single nucleotide variant.
Coding change: c.868+2T>G on transcript NM_000414.4 (MANE Select); the canonical splice donor site of the intron after coding-DNA position 868, T replaced by G.
Molecular consequence: splice donor variant.
Genome position (GRCh38, 1-based): chr5:119,493,948, T>G. VCF-style: chr5-119493948-T-G. GRCh37 (hg19) VCF-style: chr5-118829643-T-G.
Other names: c.457+2T>G (NM_001374503.1, NM_001374502.1, NM_001374501.1); c.943+2T>G (NM_001199291.3); c.541+2T>G (NM_001374499.1); c.427+2T>G (NM_001374500.1); c.448+2T>G (NM_001292028.2); c.796+2T>G (NM_001292027.2); c.868+2T>G (NM_001374498.1); c.859+2T>G (NM_001374497.1); and 1 more.
Identifiers: ClinVar variation 5004243 (VCV005004243.1).